The following is an entry in ClinVar:

NM_175929.3(FGF14):c.208+239867_208+239868del

Gene: FGF14 (fibroblast growth factor 14; minus strand). Cytogenetic location: 13q33.1.
Variant type: Deletion.
Coding change: c.208+239867_208+239868del on transcript NM_175929.3 (MANE Plus Clinical); bases 239867 to 239868 of the intron after coding-DNA position 208, 2 bases deleted (CT; older notation c.208+239867_208+239868delCT).
Molecular consequence: intron variant.
Genome position (GRCh38, 1-based): chr13:102,161,603-102,161,604, AG deleted on the plus strand (CT on the coding strand, the reverse complement: FGF14 is on the minus strand); deleting any 2 consecutive bases within chr13:102,161,603-102,161,605 gives the same sequence; the c. name uses the placement nearest the transcript's 3' end. VCF-style (leftmost placement, unchanged base first): chr13-102161602-AAG-A. GRCh37 (hg19) VCF-style: chr13-102813952-AAG-A.
Other names: c.52+239867_52+239868del (NM_001321947.2); c.91+239867_91+239868del (NM_001379342.1, NM_001321948.2, NM_001321945.2); c.-60+204841_-60+204842del (NM_001321946.2, NM_001321949.1); c.13+59093_13+59094del (NM_001321938.2, NM_001321940.1, NM_001321933.1); c.208+239867_208+239868del (NM_001321939.2, NM_001321937.2); c.7+132370_7+132371del (NM_001321941.2); c.4+31433_4+31434del (NM_001321944.1, NM_001321936.1, NM_001321932.1); c.-60+44263_-60+44264del (NM_001321943.1); and 4 more.
Identifiers: ClinVar variation 4874238 (VCV004874238.2).
Genomic context (GRCh38, chr13:102,161,602, plus strand): 5'-TTCTCTATGCAACCAACTTTCTGTGAAGAAAGAAAGAAGAAGAAGAAGAAGAAGAAGAAG[AAG>A]AAGAAGAAGAAGAAGAAGAAGAAGAAGAAGAAGAAGAAGAAGAAGAAGAAGAAGAAGAAG-3'

ClinVar aggregate classification (germline): Benign (1 of 4 stars; one submission).

Submission:

CeGaT Center for Human Genetics Tuebingen
Classification: Benign. Last evaluated: 2026-09-01. Review status: criteria provided, single submitter. Criteria: CeGaT Center For Human Genetics Tuebingen Variant Classification Criteria Version 2. Collection method: clinical testing. Allele origin: germline. Affected: yes. Observed: 2 variant alleles.
Comment: FGF14: BS1, BS2